The following is an entry in ClinVar:

ClinVar aggregate classification (germline): Uncertain significance (1 of 4 stars; one submission).

Conditions:
3-methylglutaconic aciduria, type VIIB (MGCA7B). Also called: 3-methylglutaconic aciduria with cataracts, neurologic involvement and neutropenia; 3-methylglutaconic aciduria, type VII, with cataracts, neurologic involvement and neutropenia; CLPB Deficiency. Identifiers: Orphanet 445038, MedGen C5676893, MONDO:0014561, OMIM 616271.

Allele frequency attached by ClinVar (database versions not stated): gnomAD exomes below 0.00001.
gnomAD v4.1: 1 of 1,614,182 alleles (0.000062%); highest among the groups gnomAD compares: Admixed American, 0.0017%; no homozygotes.

Submission:

Labcorp Genetics (formerly Invitae), Labcorp
Classification: Uncertain significance for 3-methylglutaconic aciduria, type VIIB. Last evaluated: 2023-05-05. Review status: criteria provided, single submitter. Criteria: Invitae Variant Classification Sherloc (09022015). Collection method: clinical testing. Allele origin: germline.
Comment: This sequence change replaces histidine, which is basic and polar, with tyrosine, which is neutral and polar, at codon 373 of the CLPB protein (p.His373Tyr). This variant is not present in population databases (gnomAD no frequency). This variant has not been reported in the literature in individuals affected with CLPB-related conditions. An algorithm developed to predict the effect of missense changes on protein structure and function (PolyPhen-2) suggests that this variant is likely to be disruptive. In summary, the available evidence is currently insufficient to determine the role of this variant in disease. Therefore, it has been classified as a Variant of Uncertain Significance.

NM_001258392.3(CLPB):c.1027C>T (p.His343Tyr)

Gene: CLPB (ClpB family mitochondrial disaggregase; minus strand). Cytogenetic location: 11q13.4.
Variant type: single nucleotide variant.
Coding change: c.1027C>T on transcript NM_001258392.3 (MANE Select); coding-DNA position 1027, C replaced by T.
Protein change: p.His343Tyr; replaces histidine 343 with tyrosine.
Molecular consequence: missense variant.
Genome position (GRCh38, 1-based): chr11:72,308,566, G>A on the plus strand (C>T on the coding strand, the complement: CLPB is on the minus strand). VCF-style: chr11-72308566-G-A. GRCh37 (hg19) VCF-style: chr11-72019610-G-A.
Other names: c.940C>T, p.His314Tyr (NM_001258393.3); c.982C>T, p.His328Tyr (NM_001258394.3); c.1117C>T, p.His373Tyr (NM_030813.6); short protein forms H373Y, H314Y, H328Y, H343Y.
Identifiers: ClinVar variation 2956180 (VCV002956180.3), dbSNP rs1590773522, ClinGen allele CA381736338.
Genomic context (GRCh38, chr11:72,308,566, plus strand): 5'-GGCTGATCTGCTCCCAATTACCTATTCCAGATGATCCCAAGAAGAGGAAGACCAGAGGGT[G>A]TTCTTCATCGTACCAGCCATTCTCCTTCCTCCGGATCGCTACGGCCAAACACACAAGATC-3'
Protein context (NP_001245321.1, residues 333-353): RKENGWYDEE[His343Tyr]PLVFLFLGSS